The following is an entry in ClinVar:

NM_032119.4(ADGRV1):c.8172C>T (p.Phe2724=)

Gene: ADGRV1 (adhesion G protein-coupled receptor V1; plus strand). Cytogenetic location: 5q14.3.
Variant type: single nucleotide variant.
Coding change: c.8172C>T on transcript NM_032119.4 (MANE Select); coding-DNA position 8172, C replaced by T.
Protein change: p.Phe2724=; no amino-acid change (phenylalanine 2724 retained).
Molecular consequence: synonymous variant. On other transcripts: non-coding transcript variant (1).
Genome position (GRCh38, 1-based): chr5:90,703,681, C>T. VCF-style: chr5-90703681-C-T. GRCh37 (hg19) VCF-style: chr5-89999498-C-T.
Identifiers: ClinVar variation 499488 (VCV000499488.22), dbSNP rs371019516, ClinGen allele CA3340186.

ClinVar aggregate classification (germline): Benign/Likely benign. Review status: criteria provided, multiple submitters, no conflicts (2 of 4 stars). 7 submissions from 7 submitters: Benign (2); Likely benign (5). Last evaluated 2026-05-26.

Conditions:
ADGRV1-related disorder. Also called: ADGRV1-related condition; ADGRV1-related disorders.

Allele frequency attached by ClinVar (database versions not stated): gnomAD 0.00084 and 0.00092; TOPMed 0.00093; 1000 Genomes Project 30x 0.00094; 1000 Genomes Project 0.00100; ESP Exome Variant Server 0.00128.
gnomAD v4.1: 224 of 1,599,644 alleles (0.014%); highest among the groups gnomAD compares: African/African-American, 0.29%; no homozygotes.

Submissions (7):

Women's Health and Genetics/Laboratory Corporation of America, LabCorp
Classification: Likely benign. Last evaluated: 2026-05-26. Review status: criteria provided, single submitter. Criteria: LabCorp Variant Classification Summary - May 2015. Collection method: clinical testing. Allele origin: germline.

Labcorp Genetics (formerly Invitae), Labcorp
Classification: Benign. Last evaluated: 2026-01-28. Review status: criteria provided, single submitter. Criteria: Invitae Variant Classification Sherloc (09022015). Collection method: clinical testing. Allele origin: germline.

PreventionGenetics, part of Exact Sciences
Classification: Likely benign for ADGRV1-related condition. Last evaluated: 2024-10-25. Review status: criteria provided, single submitter. Criteria: ACMG Guidelines, 2015. Collection method: clinical testing. Allele origin: germline.
Comment: This variant is classified as likely benign based on ACMG/AMP sequence variant interpretation guidelines (Richards et al. 2015 PMID: 25741868, with internal and published modifications).

Blueprint Genetics
Classification: Likely benign. Last evaluated: 2024-03-08. Review status: criteria provided, single submitter. Criteria: ACMG Guidelines, 2015. Collection method: clinical testing. Allele origin: germline.

GeneDx
Classification: Likely benign. Last evaluated: 2019-04-17. Review status: criteria provided, single submitter. Criteria: GeneDx Variant Classification Process June 2021. Collection method: clinical testing. Allele origin: germline. Affected: yes.

Eurofins Ntd Llc (ga)
Classification: Likely benign. Last evaluated: 2017-01-18. Review status: criteria provided, single submitter. Criteria: EGL Classification Definitions 2015. Collection method: clinical testing. Allele origin: germline. Observed: 1 variant allele, 1 heterozygote.

Laboratory for Molecular Medicine, Mass General Brigham Personalized Medicine
Classification: Benign. Last evaluated: 2016-08-24. Review status: criteria provided, single submitter. Criteria: LMM Criteria. Collection method: clinical testing. Allele origin: germline. Observed: 1 variant allele.
Comment: p.Phe2724Phe in exon 35 of GPR98: This variant is not expected to have clinical significance because it does not alter an amino acid residue, is not located wit hin the splice consensus sequence, and has been identified in 0.4% (31/7020) of African chromosomes by the Exome Aggregation Consortium (ExAC; dbSNP rs371019516).